The following is an entry in ClinVar:

NC_000012.12:g.40506286C>T

Gene: MUC19 (mucin 19, oligomeric (gene/pseudogene); plus strand). Cytogenetic location: 12q12.
Variant type: single nucleotide variant.
Genome position: GRCh38 VCF-style: chr12-40506286-C-T. GRCh37 (hg19) VCF-style: chr12-40900088-C-T.
Identifiers: ClinVar variation 2642880 (VCV002642880.24), dbSNP rs546346683, ClinGen allele CA235390953.

ClinVar aggregate classification (germline): Likely benign (1 of 4 stars; one submission).

Allele frequency attached by ClinVar (database versions not stated): 1000 Genomes Project 30x 0.00016; gnomAD 0.00067; TOPMed 0.00067.

Submission:

CeGaT Center for Human Genetics Tuebingen
Classification: Likely benign. Last evaluated: 2023-02-01. Review status: criteria provided, single submitter. Criteria: CeGaT Center For Human Genetics Tuebingen Variant Classification Criteria Version 2. Collection method: clinical testing. Allele origin: germline. Affected: yes. Observed: 1 variant allele.
Comment: MUC19: BP4, BP7